The following is an entry in ClinVar:

NM_001199753.2(CPT1C):c.506G>A (p.Arg169His)

Gene: CPT1C (carnitine palmitoyltransferase 1C; plus strand). Cytogenetic location: 19q13.33.
Variant type: single nucleotide variant.
Coding change: c.506G>A on transcript NM_001199753.2 (MANE Select); coding-DNA position 506, G replaced by A.
Protein change: p.Arg169His; replaces arginine 169 with histidine.
Molecular consequence: missense variant. On other transcripts: non-coding transcript variant (1).
Genome position (GRCh38, 1-based): chr19:49,701,369, G>A. VCF-style: chr19-49701369-G-A. GRCh37 (hg19) VCF-style: chr19-50204626-G-A.
Other names: c.506G>A, p.Arg169His (NM_001136052.3, NM_001199752.3, NM_001378482.1 and 7 more transcripts); short protein forms R169H.
Identifiers: ClinVar variation 2992905 (VCV002992905.3), dbSNP rs1345591106, ClinGen allele CA406900124.

ClinVar aggregate classification (germline): Uncertain significance (1 of 4 stars; one submission).

Conditions:
Hereditary spastic paraplegia 73. Also called: Spastic paraplegia 73, autosomal dominant. Identifiers: Orphanet 444099, MedGen C5568981, MONDO:0014568, OMIM 616282.

Allele frequency attached by ClinVar (database versions not stated): TOPMed below 0.00001.
gnomAD v4.1: 5 of 1,613,410 alleles (0.00031%); highest among the groups gnomAD compares: South Asian, 0.0022%; no homozygotes.

Submission:

Labcorp Genetics (formerly Invitae), Labcorp
Classification: Uncertain significance for Hereditary spastic paraplegia 73. Last evaluated: 2023-03-01. Review status: criteria provided, single submitter. Criteria: Invitae Variant Classification Sherloc (09022015). Collection method: clinical testing. Allele origin: germline.
Comment: This sequence change replaces arginine, which is basic and polar, with histidine, which is basic and polar, at codon 169 of the CPT1C protein (p.Arg169His). The frequency data for this variant in the population databases is considered unreliable, as metrics indicate poor data quality at this position in the gnomAD database. This variant has not been reported in the literature in individuals affected with CPT1C-related conditions. Advanced modeling of protein sequence and biophysical properties (such as structural, functional, and spatial information, amino acid conservation, physicochemical variation, residue mobility, and thermodynamic stability) performed at Invitae indicates that this missense variant is not expected to disrupt CPT1C protein function. In summary, the available evidence is currently insufficient to determine the role of this variant in disease. Therefore, it has been classified as a Variant of Uncertain Significance.